The following is an entry in ClinVar:

NM_005720.4(ARPC1B):c.231C>A (p.Tyr77Ter)

Gene: ARPC1B (actin related protein 2/3 complex subunit 1B; plus strand). Cytogenetic location: 7q22.1.
Variant type: single nucleotide variant.
Coding change: c.231C>A on transcript NM_005720.4 (MANE Select); coding-DNA position 231, C replaced by A.
Protein change: p.Tyr77Ter; replaces tyrosine 77 with a stop codon.
Molecular consequence: nonsense.
Genome position (GRCh38, 1-based): chr7:99,388,100, C>A. VCF-style: chr7-99388100-C-A. GRCh37 (hg19) VCF-style: chr7-98985723-C-A.
Other names: short protein forms Y77*.
Identifiers: ClinVar variation 1455080 (VCV001455080.6), dbSNP rs116204707, ClinGen allele CA368317269.
Genomic context (GRCh38, chr7:99,388,100, plus strand): 5'-CATCGACTGGGCCCCCGAGAGTAACCGTATTGTGACCTGCGGCACAGACCGCAACGCCTA[C>A]GTGTGGACGCTGAAGGGCCGCACATGGAAGCCCACGCTGGTCATCCTGCGGATCAACCGG-3'

ClinVar aggregate classification (germline): Pathogenic (1 of 4 stars; one submission).

Submission:

Labcorp Genetics (formerly Invitae), Labcorp
Classification: Pathogenic. Last evaluated: 2022-10-05. Review status: criteria provided, single submitter. Criteria: Invitae Variant Classification Sherloc (09022015). Collection method: clinical testing. Allele origin: germline.
Comment: For these reasons, this variant has been classified as Pathogenic. ClinVar contains an entry for this variant (Variation ID: 1455080). This variant has not been reported in the literature in individuals affected with ARPC1B-related conditions. This variant is not present in population databases (gnomAD no frequency). This sequence change creates a premature translational stop signal (p.Tyr77*) in the ARPC1B gene. It is expected to result in an absent or disrupted protein product. Loss-of-function variants in ARPC1B are known to be pathogenic (PMID: 27965109, 28368018, 29127144).

Literature cited by the submitters: PubMed 27965109; PubMed 28368018; PubMed 29127144.